The following is an entry in ClinVar:

ClinVar aggregate classification (germline): Uncertain significance. Review status: criteria provided, multiple submitters, no conflicts (2 of 4 stars). 2 submissions from 2 submitters: Uncertain significance (2). Last evaluated 2023-04-12.

Conditions:
Meckel syndrome, type 11 (MKS11). Identifiers: Orphanet 564, MedGen C3809352, MONDO:0014164, OMIM 615397.
Joubert syndrome 20 (JBTS20). Identifiers: Orphanet 475, MedGen C3554235, MONDO:0013994, OMIM 614970.

Allele frequency attached by ClinVar (database versions not stated): gnomAD 0.00001; gnomAD exomes 0.00001; TOPMed 0.00001; ExAC 0.00002.
gnomAD v4.1: 14 of 1,612,120 alleles (0.00087%); highest among the groups gnomAD compares: African/African-American, 0.0027%; no homozygotes.

Submissions (2):

Labcorp Genetics (formerly Invitae), Labcorp
Classification: Uncertain significance for Joubert syndrome 20; Meckel syndrome, type 11. Last evaluated: 2023-04-12. Review status: criteria provided, single submitter. Criteria: Invitae Variant Classification Sherloc (09022015). Collection method: clinical testing. Allele origin: germline.
Comment: This variant has not been reported in the literature in individuals affected with TMEM231-related conditions. ClinVar contains an entry for this variant (Variation ID: 285611). Experimental studies and prediction algorithms are not available or were not evaluated, and the functional significance of this variant is currently unknown. In summary, the available evidence is currently insufficient to determine the role of this variant in disease. Therefore, it has been classified as a Variant of Uncertain Significance. This variant is present in population databases (rs746025189, gnomAD 0.007%). This sequence change replaces phenylalanine, which is neutral and non-polar, with leucine, which is neutral and non-polar, at codon 296 of the TMEM231 protein (p.Phe296Leu).

Eurofins Ntd Llc (ga)
Classification: Uncertain significance. Last evaluated: 2016-01-13. Review status: criteria provided, single submitter. Criteria: EGL Classification Definitions 2015. Collection method: clinical testing. Allele origin: germline. Observed: 1 variant allele, 1 heterozygote.

NM_001077418.3(TMEM231):c.727T>C (p.Phe243Leu)

Gene: TMEM231 (transmembrane protein 231; minus strand). Cytogenetic location: 16q23.1.
Variant type: single nucleotide variant.
Coding change: c.727T>C on transcript NM_001077418.3 (MANE Select); coding-DNA position 727, T replaced by C.
Protein change: p.Phe243Leu; replaces phenylalanine 243 with leucine.
Molecular consequence: missense variant. On other transcripts: non-coding transcript variant (1).
Genome position (GRCh38, 1-based): chr16:75,541,393, A>G on the plus strand (T>C on the coding strand, the complement: TMEM231 is on the minus strand). VCF-style: chr16-75541393-A-G. GRCh37 (hg19) VCF-style: chr16-75575291-A-G.
Other names: c.886T>C, p.Phe296Leu (NM_001077416.2); short protein forms F296L, F243L.
Identifiers: ClinVar variation 285611 (VCV000285611.11), dbSNP rs746025189, ClinGen allele CA8176057.